The following is an entry in ClinVar:

NM_001042492.3(NF1):c.1048G>C (p.Val350Leu)

Gene: NF1 (neurofibromin 1; plus strand). Cytogenetic location: 17q11.2.
Variant type: single nucleotide variant.
Coding change: c.1048G>C on transcript NM_001042492.3 (MANE Select); coding-DNA position 1048, G replaced by C.
Protein change: p.Val350Leu; replaces valine 350 with leucine.
Molecular consequence: missense variant.
Genome position (GRCh38, 1-based): chr17:31,200,581, G>C. VCF-style: chr17-31200581-G-C. GRCh37 (hg19) VCF-style: chr17-29527599-G-C.
Other names: c.1048G>C, p.Val350Leu (NM_001128147.3, NM_000267.4); short protein forms V350L.
Identifiers: ClinVar variation 3369946 (VCV003369946.3).

ClinVar aggregate classification (germline): Uncertain significance. Review status: criteria provided, multiple submitters, no conflicts (2 of 4 stars). 2 submissions from 2 submitters: Uncertain significance (2). Last evaluated 2024-09-16.

Conditions:
Neurofibromatosis, type 1 (NF1). Also called: Neurofibromatosis, type I; VON RECKLINGHAUSEN DISEASE; NEUROFIBROMATOSIS, TYPE I, SOMATIC; Peripheral type neurofibromatosis. Identifiers: Orphanet 636, MedGen C0027831, MONDO:0018975, OMIM 162200. Disease mechanism: loss of function.

Submissions (2):

Labcorp Genetics (formerly Invitae), Labcorp
Classification: Uncertain significance for Neurofibromatosis, type 1. Last evaluated: 2024-09-16. Review status: criteria provided, single submitter. Criteria: Invitae Variant Classification Sherloc (09022015). Collection method: clinical testing. Allele origin: germline.
Comment: This sequence change replaces valine, which is neutral and non-polar, with leucine, which is neutral and non-polar, at codon 350 of the NF1 protein (p.Val350Leu). This variant is not present in population databases (gnomAD no frequency). This variant has not been reported in the literature in individuals affected with NF1-related conditions. Invitae Evidence Modeling of protein sequence and biophysical properties (such as structural, functional, and spatial information, amino acid conservation, physicochemical variation, residue mobility, and thermodynamic stability) indicates that this missense variant is not expected to disrupt NF1 protein function with a negative predictive value of 95%. In summary, the available evidence is currently insufficient to determine the role of this variant in disease. Therefore, it has been classified as a Variant of Uncertain Significance.

GeneDx
Classification: Uncertain significance. Last evaluated: 2023-12-17. Review status: criteria provided, single submitter. Criteria: GeneDx Variant Classification Process June 2021. Collection method: clinical testing. Allele origin: germline. Affected: yes.
Comment: Not observed at significant frequency in large population cohorts (gnomAD); In silico analysis supports that this missense variant does not alter protein structure/function; Has not been previously published as pathogenic or benign to our knowledge